The following is an entry in ClinVar:

NM_015338.6(ASXL1):c.114dup (p.Glu39fs)

Gene: ASXL1 (ASXL transcriptional regulator 1; plus strand). Cytogenetic location: 20q11.21.
Variant type: Duplication.
Coding change: c.114dup on transcript NM_015338.6 (MANE Select); coding-DNA position 114, one base duplicated (A; older notation c.114dupA).
Protein change: p.Glu39fs; shifts the reading frame from glutamic acid 39.
Molecular consequence: frameshift variant.
Genome position (GRCh38, 1-based): chr20:32,366,440, A duplicated. VCF-style (leftmost placement, unchanged base first): chr20-32366439-T-TA. GRCh37 (hg19) VCF-style: chr20-30954242-T-TA.
Other names: c.114dupA (NM_015338.5); c.114dup, p.Glu39fs (NM_001164603.1); c.84dup, p.Glu29fs (NM_001363734.1); short protein forms E39fs, E29fs.
Identifiers: ClinVar variation 420413 (VCV000420413.2), dbSNP rs1555900832, ClinGen allele CA16620920.

ClinVar aggregate classification (germline): Likely pathogenic (1 of 4 stars; one submission).

Submission:

GeneDx
Classification: Likely pathogenic. Last evaluated: 2016-02-25. Review status: criteria provided, single submitter. Criteria: GeneDx Variant Classification (06012015). Collection method: clinical testing. Allele origin: germline. Affected: yes.
Comment: The c.114dupA variant in the ASXL1 gene has not been reported previously as a pathogenic variant nor as a benign variant, to our knowledge. The c.114dupA variant causes a frameshift starting with codon Glutamic acid 39, changes this amino acid to a Arginine residue, and creates a premature Stop codon at position 35 of the new reading frame, denoted p.Glu39ArgfsX35. This variant is predicted to cause loss of normal protein function either through protein truncation or nonsense-mediated mRNA decay. The c.114dupA variant was not observed in approximately 6500 individuals of European and African American ancestry in the NHLBI Exome Sequencing Project, indicating it is not a common benign variant in these populations. The c.114dupA variant is a strong candidate for a pathogenic variant, however the possibility it may be a rare benign variant cannot be excluded.